The following is an entry in ClinVar:

ClinVar aggregate classification (germline): Uncertain significance. Review status: criteria provided, multiple submitters, no conflicts (2 of 4 stars). 2 submissions from 2 submitters: Uncertain significance (2). Last evaluated 2025-06-01.

Conditions:
Primary familial hypertrophic cardiomyopathy (HCM). Identifiers: Orphanet 99739, MedGen C0949658, MeSH D024741, MONDO:0024573. Inheritance: Various modes of inheritance.

Allele frequency attached by ClinVar (database versions not stated): gnomAD exomes below 0.00001.
gnomAD v4.1: 5 of 1,614,196 alleles (0.00031%); highest among the groups gnomAD compares: Non-Finnish European, 0.00042%; no homozygotes.

Submissions (2):

Ambry Genetics
Classification: Uncertain significance. Last evaluated: 2025-06-01. Review status: criteria provided, single submitter. Criteria: Ambry Variant Classification Scheme 2023. Collection method: clinical testing. Allele origin: germline.
Comment: The p.H99P variant (also known as c.296A>C), located in coding exon 3 of the ILK gene, results from an A to C substitution at nucleotide position 296. The histidine at codon 99 is replaced by proline, an amino acid with similar properties. This amino acid position is conserved. In addition, the in silico prediction for this alteration is inconclusive. Based on the available evidence, the clinical significance of this variant remains unclear.

Labcorp Genetics (formerly Invitae), Labcorp
Classification: Uncertain significance for Primary familial hypertrophic cardiomyopathy. Last evaluated: 2022-09-10. Review status: criteria provided, single submitter. Criteria: Invitae Variant Classification Sherloc (09022015). Collection method: clinical testing. Allele origin: germline.
Comment: In summary, the available evidence is currently insufficient to determine the role of this variant in disease. Therefore, it has been classified as a Variant of Uncertain Significance. Algorithms developed to predict the effect of missense changes on protein structure and function are either unavailable or do not agree on the potential impact of this missense change (SIFT: "Deleterious"; PolyPhen-2: "Probably Damaging"; Align-GVGD: "Class C0"). ClinVar contains an entry for this variant (Variation ID: 942211). This variant has not been reported in the literature in individuals affected with ILK-related conditions. This variant is present in population databases (no rsID available, gnomAD 0.0009%). This sequence change replaces histidine, which is basic and polar, with proline, which is neutral and non-polar, at codon 99 of the ILK protein (p.His99Pro).

NM_004517.4(ILK):c.296A>C (p.His99Pro)

Genes: ILK (integrin linked kinase; plus strand), TAF10 (TATA-box binding protein associated factor 10; minus strand). Cytogenetic location: 11p15.4.
Variant type: single nucleotide variant.
Coding change: c.296A>C on transcript NM_004517.4 (MANE Select); coding-DNA position 296, A replaced by C.
Protein change: p.His99Pro; replaces histidine 99 with proline.
Molecular consequence: missense variant. On other transcripts: 5 prime UTR variant (1), 3 prime UTR variant (1).
Genome position (GRCh38, 1-based): chr11:6,608,434, A>C. VCF-style: chr11-6608434-A-C. GRCh37 (hg19) VCF-style: chr11-6629664-A-C.
Other names: c.296A>C, p.His99Pro (NM_001014794.3, NM_001014795.3, NM_001278441.2); c.-107A>C (NM_001278442.2); c.*2488T>G (NM_006284.4); short protein forms H99P.
Identifiers: ClinVar variation 942211 (VCV000942211.11), dbSNP rs1173338186, ClinGen allele CA379456780.